The following is an entry in ClinVar:

ClinVar aggregate classification (germline): Likely benign. Review status: criteria provided, multiple submitters, no conflicts (2 of 4 stars). 5 submissions from 5 submitters: Likely benign (3). 2 of the submissions do not count toward it. Last evaluated 2025-10-25.

Conditions:
KATNIP-related disorder. Also called: KATNIP-related condition.

Allele frequency attached by ClinVar (database versions not stated): gnomAD exomes 0.00011 and 0.00024; ExAC 0.00035; 1000 Genomes Project 0.00100; gnomAD 0.00117 and 0.00127; ESP Exome Variant Server 0.00139; 1000 Genomes Project 30x 0.00141; TOPMed 0.00146.

Submissions (5):

Labcorp Genetics (formerly Invitae), Labcorp
Classification: Likely benign. Last evaluated: 2025-10-25. Review status: criteria provided, single submitter. Criteria: Invitae Variant Classification Sherloc (09022015). Collection method: clinical testing. Allele origin: germline.

Ambry Genetics
Classification: Likely benign. Last evaluated: 2024-06-02. Review status: criteria provided, single submitter. Criteria: Ambry Variant Classification Scheme 2023. Collection method: clinical testing. Allele origin: germline.

Blueprint Genetics
Classification: Likely benign. Last evaluated: 2023-12-07. Review status: criteria provided, single submitter. Criteria: ACMG Guidelines, 2015. Collection method: clinical testing. Allele origin: germline.

PreventionGenetics, part of Exact Sciences
Classification: Likely benign for KATNIP-related condition. Last evaluated: 2023-06-20. Review status: no assertion criteria provided. Collection method: clinical testing. Allele origin: germline. Not counted in ClinVar's aggregate classification.
Comment: This variant is classified as likely benign based on ACMG/AMP sequence variant interpretation guidelines (Richards et al. 2015 PMID: 25741868, with internal and published modifications).

Genetic Services Laboratory, University of Chicago
Classification: Likely benign. Last evaluated: 2022-12-19. Review status: no assertion criteria provided. Collection method: clinical testing. Allele origin: germline. Affected: no. Not counted in ClinVar's aggregate classification.

NM_015202.5(KATNIP):c.4745T>C (p.Met1582Thr)

Gene: KATNIP (katanin interacting protein; plus strand). Cytogenetic location: 16p12.1.
Variant type: single nucleotide variant.
Coding change: c.4745T>C on transcript NM_015202.5 (MANE Select); coding-DNA position 4745, T replaced by C.
Protein change: p.Met1582Thr; replaces methionine 1582 with threonine.
Molecular consequence: missense variant.
Genome position (GRCh38, 1-based): chr16:27,777,913, T>C. VCF-style: chr16-27777913-T-C. GRCh37 (hg19) VCF-style: chr16-27789234-T-C.
Other names: c.4745T>C (NM_015202.3); short protein forms M1582T.
Identifiers: ClinVar variation 733529 (VCV000733529.14), dbSNP rs145613851, ClinGen allele CA7978759.